The following is an entry in ClinVar:

ClinVar aggregate classification (germline): Uncertain significance (1 of 4 stars; one submission).

Allele frequency attached by ClinVar (database versions not stated): gnomAD exomes below 0.00001 and 0.00001; gnomAD 0.00001 and 0.00002; TOPMed 0.00001; ExAC 0.00002.
gnomAD v4.1: 10 of 1,613,972 alleles (0.00062%); highest among the groups gnomAD compares: Middle Eastern, 0.067%; no homozygotes.

Submission:

Labcorp Genetics (formerly Invitae), Labcorp
Classification: Uncertain significance. Last evaluated: 2023-07-21. Review status: criteria provided, single submitter. Criteria: Invitae Variant Classification Sherloc (09022015). Collection method: clinical testing. Allele origin: germline.
Comment: In summary, the available evidence is currently insufficient to determine the role of this variant in disease. Therefore, it has been classified as a Variant of Uncertain Significance. An algorithm developed to predict the effect of missense changes on protein structure and function (PolyPhen-2) suggests that this variant¬†is likely to be tolerated. ClinVar contains an entry for this variant (Variation ID: 941475). This variant has not been reported in the literature in individuals affected with CLCC1-related conditions. This variant is present in population databases (rs750440661, gnomAD 0.002%). This sequence change replaces glycine, which is neutral and non-polar, with arginine, which is basic and polar, at codon 536 of the CLCC1 protein (p.Gly536Arg).

NM_001377458.1(CLCC1):c.1606G>C (p.Gly536Arg)

Gene: CLCC1 (chloride channel CLIC like 1; minus strand). Cytogenetic location: 1p13.3.
Variant type: single nucleotide variant.
Coding change: c.1606G>C on transcript NM_001377458.1 (MANE Select); coding-DNA position 1606, G replaced by C.
Protein change: p.Gly536Arg; replaces glycine 536 with arginine.
Molecular consequence: missense variant. On other transcripts: non-coding transcript variant (1).
Genome position (GRCh38, 1-based): chr1:108,934,720, C>G on the plus strand (G>C on the coding strand, the complement: CLCC1 is on the minus strand). VCF-style: chr1-108934720-C-G. GRCh37 (hg19) VCF-style: chr1-109477342-C-G.
Other names: c.1606G>C, p.Gly536Arg (NM_001048210.3, NM_001377459.1, NM_001377460.1 and 8 more transcripts); c.1243G>C, p.Gly415Arg (NM_001278202.2); c.1051G>C, p.Gly351Arg (NM_001278203.1); c.1504G>C, p.Gly502Arg (NM_001377469.1); c.1315G>C, p.Gly439Arg (NM_001377470.1); c.1456G>C, p.Gly486Arg (NM_015127.5); short protein forms G351R, G439R, G486R, G415R, G502R, G536R.
Identifiers: ClinVar variation 941475 (VCV000941475.8), dbSNP rs750440661, ClinGen allele CA983287.